The following is an entry in ClinVar:

NM_001040108.2(MLH3):c.4265T>G (p.Leu1422Arg)

Gene: MLH3 (mutL homolog 3; minus strand). Cytogenetic location: 14q24.3.
Variant type: single nucleotide variant.
Coding change: c.4265T>G on transcript NM_001040108.2 (MANE Select); coding-DNA position 4265, T replaced by G.
Protein change: p.Leu1422Arg; replaces leucine 1422 with arginine.
Molecular consequence: missense variant.
Genome position (GRCh38, 1-based): chr14:75,017,179, A>C on the plus strand (T>G on the coding strand, the complement: MLH3 is on the minus strand). VCF-style: chr14-75017179-A-C. GRCh37 (hg19) VCF-style: chr14-75483882-A-C.
Other names: c.4193T>G, p.Leu1398Arg (NM_014381.3); short protein forms L1422R, L1398R.
Identifiers: ClinVar variation 2448606 (VCV002448606.3), dbSNP rs2503033132, ClinGen allele CA390418147.
Genomic context (GRCh38, chr14:75,017,179, plus strand): 5'-CTCTGCCTTGTATCACACTCTGCTTTTCCAAAGAGACGCCAGGCCTGGGCCATTTTGCGA[A>C]GTTTAGTGAGGTTGGGTTTAATCTATGGGAAGAAAGAATAACTTCAATTAGCAATATGAA-3'
Protein context (NP_001035197.1, residues 1412-1432): EKQIKPNLTK[Leu1422Arg]RKMAQAWRLF

ClinVar aggregate classification (germline): Uncertain significance (1 of 4 stars; one submission).

Submission:

Ambry Genetics
Classification: Uncertain significance. Last evaluated: 2025-08-03. Review status: criteria provided, single submitter. Criteria: Ambry Variant Classification Scheme 2023. Collection method: clinical testing. Allele origin: germline.
Comment: The p.L1422R variant (also known as c.4265T>G), located in coding exon 12 of the MLH3 gene, results from a T to G substitution at nucleotide position 4265. The leucine at codon 1422 is replaced by arginine, an amino acid with dissimilar properties. This amino acid position is conserved. In addition, this alteration is predicted to be deleterious by in silico analysis. Since supporting evidence is limited at this time, the clinical significance of this alteration remains unclear.